The following is an entry in ClinVar:

ClinVar aggregate classification (germline): Benign/Likely benign. Review status: criteria provided, multiple submitters, no conflicts (2 of 4 stars). 9 submissions from 9 submitters: Benign (1); Likely benign (7). 1 of the submissions does not count toward it. Last evaluated 2026-02-03.

Conditions:
Hereditary cancer-predisposing syndrome. Also called: Hereditary Cancer Syndrome; Tumor predisposition; Neoplastic Syndromes, Hereditary; Hereditary neoplastic syndrome. Identifiers: Orphanet 140162, MedGen C0027672, MeSH D009386, MONDO:0015356.
Familial cancer of breast. Also called: hereditary breast carcinoma; BREAST CANCER, FAMILIAL; Hereditary breast cancer. Identifiers: Orphanet 227535, MedGen C0346153, MONDO:0016419, OMIM 114480. Disease mechanism: loss of function.
Ataxia-telangiectasia syndrome (AT). Also called: ATAXIA-TELANGIECTASIA, COMPLEMENTATION GROUP A; ATAXIA-TELANGIECTASIA, FRESNO VARIANT; Ataxia-telangiectasia; Ataxia-telangiectasia, complementation group E; Cerebello-oculocutaneous telangiectasia; Immunodeficiency with ataxia telangiectasia. Identifiers: Orphanet 100, MedGen C0004135, MONDO:0008840, OMIM 208900.

Allele frequency attached by ClinVar (database versions not stated): gnomAD 0.00001; gnomAD exomes 0.00001 and 0.00002; TOPMed 0.00001; ExAC 0.00001.
gnomAD v4.1: 25 of 1,613,922 alleles (0.0015%); highest among the groups gnomAD compares: Non-Finnish European, 0.00076%; no homozygotes.

Submissions (9):

Labcorp Genetics (formerly Invitae), Labcorp
Classification: Likely benign for Ataxia-telangiectasia syndrome. Last evaluated: 2026-02-03. Review status: criteria provided, single submitter. Criteria: Invitae Variant Classification Sherloc (09022015). Collection method: clinical testing. Allele origin: germline.

Myriad Genetics, Inc.
Classification: Benign for Familial cancer of breast. Last evaluated: 2024-06-12. Review status: criteria provided, single submitter. Criteria: Myriad Autosomal Dominant, Autosomal Recessive and X-Linked Classification Criteria (2023). Collection method: clinical testing. Allele origin: unknown.
Comment: This variant is considered benign. This variant is a silent/synonymous amino acid change and it is not expected to impact splicing.

Blueprint Genetics
Classification: Likely benign. Last evaluated: 2023-07-02. Review status: criteria provided, single submitter. Criteria: ACMG Guidelines, 2015. Collection method: clinical testing. Allele origin: germline.

Women's Health and Genetics/Laboratory Corporation of America, LabCorp
Classification: Likely benign. Last evaluated: 2021-02-28. Review status: criteria provided, single submitter. Criteria: LabCorp Variant Classification Summary - May 2015. Collection method: clinical testing. Allele origin: germline.

Sema4
Classification: Likely benign for Hereditary cancer-predisposing syndrome. Last evaluated: 2020-10-07. Review status: criteria provided, single submitter. Criteria: Sema4 Curation Guidelines. Collection method: curation. Allele origin: germline.

GeneDx
Classification: Likely benign. Last evaluated: 2017-10-04. Review status: criteria provided, single submitter. Criteria: GeneDx Variant Classification (06012015). Collection method: clinical testing. Allele origin: germline. Affected: yes.
Comment: This variant is considered likely benign or benign based on one or more of the following criteria: it is a conservative change, it occurs at a poorly conserved position in the protein, it is predicted to be benign by multiple in silico algorithms, and/or has population frequency not consistent with disease.

Color Diagnostics, LLC DBA Color Health
Classification: Likely benign for Hereditary cancer-predisposing syndrome. Last evaluated: 2016-06-16. Review status: criteria provided, single submitter. Criteria: ACMG Guidelines, 2015. Collection method: clinical testing. Allele origin: germline.

Ambry Genetics
Classification: Likely benign for Hereditary cancer-predisposing syndrome. Last evaluated: 2014-06-24. Review status: criteria provided, single submitter. Criteria: Ambry Variant Classification Scheme 2023. Collection method: clinical testing. Allele origin: germline.

Department of Pathology and Laboratory Medicine, Sinai Health System
Classification: Likely benign. Review status: no assertion criteria provided. Collection method: clinical testing. Allele origin: unknown. Affected: yes. Study: The Canadian Open Genetics Repository (COGR). Not counted in ClinVar's aggregate classification.
Comment: The ATM p.Leu2309= variant was not identified in the literature nor was it identified in the LOVD 3.0 database. The variant was identified in dbSNP (ID: rs763839047) â€šÃ„ÃºWith Likely benign alleleâ€šÃ„Ã¹ and ClinVar (classified likely benign by Ambry Genetics, Invitae, GeneDx and Color). The variant was also identified in control databases in 4 of 277074 chromosomes at a frequency of 0.00001 (Genome Aggregation Database Feb 27, 2017), observed in the Ashkenazi Jewish population in 4 of 10150 chromosomes (freq: 0.0004), while not observed in the African, Other, Latino, European Non-Finnish, East Asian, European Finnish, or South Asian populations. The p.Leu2309= variant is not expected to have clinical significance because it does not result in a change of amino acid and is not located in a known consensus splice site. In addition, in silico or computational prediction software programs (SpliceSiteFinder, MaxEntScan, NNSPLICE, GeneSplicer) do not predict a difference in splicing. In summary, based on the above information, the clinical significance of this variant cannot be determined with certainty at this time although we would lean towards a more benign role for this variant. This variant is classified as likely benign.

NM_000051.4(ATM):c.6925C>T (p.Leu2309=)

Genes: ATM (ATM serine/threonine kinase; plus strand), C11orf65 (chromosome 11 open reading frame 65; minus strand). Cytogenetic location: 11q22.3.
Variant type: single nucleotide variant.
Coding change: c.6925C>T on transcript NM_000051.4 (MANE Select); coding-DNA position 6925, C replaced by T.
Protein change: p.Leu2309=; no amino-acid change (leucine 2309 retained).
Molecular consequence: synonymous variant. On other transcripts: intron variant (2).
Genome position (GRCh38, 1-based): chr11:108,326,175, C>T. VCF-style: chr11-108326175-C-T. GRCh37 (hg19) VCF-style: chr11-108196902-C-T.
Other names: c.6925C>T, p.Leu2309= (NM_001351834.2); c.641-17104G>A (NM_001330368.2); c.*38+9045G>A (NM_001351110.2).
Identifiers: ClinVar variation 183966 (VCV000183966.22), dbSNP rs763839047, ClinGen allele CA187340.